The following is an entry in ClinVar:

ClinVar aggregate classification (germline): Uncertain significance (1 of 4 stars; one submission).

Allele frequency attached by ClinVar (database versions not stated): gnomAD exomes 0.00003.
gnomAD v4.1: 39 of 1,614,100 alleles (0.0024%); highest among the groups gnomAD compares: Non-Finnish European, 0.0033%; no homozygotes.

Submission:

Women's Health and Genetics/Laboratory Corporation of America, LabCorp
Classification: Uncertain significance. Last evaluated: 2024-02-05. Review status: criteria provided, single submitter. Criteria: LabCorp Variant Classification Summary - May 2015. Collection method: clinical testing. Allele origin: germline.
Comment: Variant summary: GP6 c.1469C>A (p.Ser490Tyr) results in a non-conservative amino acid change in the encoded protein sequence. Three of four in-silico tools predict a benign effect of the variant on protein function. The variant allele was found at a frequency of 2.7e-05 (i.e. in 39 heterozygotes) in 1,455,992 control chromosomes (gnomAD v4). To our knowledge, no occurrence of c.1469C>A in individuals affected with Platelet-Type Bleeding Disorder 11 and no experimental evidence demonstrating its impact on protein function have been reported. No submitters have cited clinical-significance assessments for this variant to ClinVar. Based on the evidence outlined above, the variant was classified as uncertain significance.

NM_016363.5(GP6):c.*445C>A

Gene: GP6 (glycoprotein VI platelet; minus strand). Cytogenetic location: 19q13.42.
Variant type: single nucleotide variant.
Coding change: c.*445C>A on transcript NM_016363.5 (MANE Select); 445 bases downstream of the stop codon, C replaced by A.
Molecular consequence: 3 prime UTR variant. On other transcripts: missense variant (1).
Genome position (GRCh38, 1-based): chr19:55,014,476, G>T on the plus strand (C>A on the coding strand, the complement: GP6 is on the minus strand). VCF-style: chr19-55014476-G-T. GRCh37 (hg19) VCF-style: chr19-55525844-G-T.
Other names: c.1469C>A, p.Ser490Tyr (NM_001083899.2); c.*445C>A (NM_001256017.2); short protein forms S490Y.
Identifiers: ClinVar variation 3068931 (VCV003068931.2), dbSNP rs1222800136, ClinGen allele CA407472825.